The following is an entry in ClinVar:

NM_000051.4(ATM):c.3251A>G (p.Gln1084Arg)

Gene: ATM (ATM serine/threonine kinase; plus strand). Cytogenetic location: 11q22.3.
Variant type: single nucleotide variant.
Coding change: c.3251A>G on transcript NM_000051.4 (MANE Select); coding-DNA position 3251, A replaced by G.
Protein change: p.Gln1084Arg; replaces glutamine 1084 with arginine.
Molecular consequence: missense variant.
Genome position (GRCh38, 1-based): chr11:108,272,819, A>G. VCF-style: chr11-108272819-A-G. GRCh37 (hg19) VCF-style: chr11-108143546-A-G.
Other names: c.3251A>G, p.Gln1084Arg (NM_001351834.2); short protein forms Q1084R.
Identifiers: ClinVar variation 1025859 (VCV001025859.9), dbSNP rs2081668405, ClinGen allele CA382516065.
Genomic context (GRCh38, chr11:108,272,819, plus strand): 5'-TGGGAAAAGACTTTCCTGTAAATGAAGTATTTACACAATTTCTTGCTGACAATCATCACC[A>G]AGTTCGCATGTTGGCTGCAGAGTCAATCAATAGGTAATGGGTCAAATATTCATGAAGTAT-3'
Protein context (NP_000042.3, residues 1074-1094): FTQFLADNHH[Gln1084Arg]VRMLAAESIN

ClinVar aggregate classification (germline): Uncertain significance (1 of 4 stars; one submission).

Conditions:
Ataxia-telangiectasia syndrome (AT). Also called: ATAXIA-TELANGIECTASIA, FRESNO VARIANT; Ataxia-telangiectasia, complementation group D; AT, COMPLEMENTATION GROUP C; Cerebello-oculocutaneous telangiectasia; Immunodeficiency with ataxia telangiectasia; Ataxia telangiectasia (A-T). Identifiers: Orphanet 100, MedGen C0004135, MONDO:0008840, OMIM 208900.

Allele frequency attached by ClinVar (database versions not stated): gnomAD below 0.00001 and 0.00001; gnomAD exomes below 0.00001.
gnomAD v4.1: 2 of 1,613,966 alleles (0.00012%); highest among the groups gnomAD compares: South Asian, 0.0011%; no homozygotes.

Submission:

Labcorp Genetics (formerly Invitae), Labcorp
Classification: Uncertain significance for Ataxia-telangiectasia syndrome. Last evaluated: 2020-02-02. Review status: criteria provided, single submitter. Criteria: Invitae Variant Classification Sherloc (09022015). Collection method: clinical testing. Allele origin: germline.
Comment: This variant is not present in population databases (ExAC no frequency). This variant has not been reported in the literature in individuals with ATM-related conditions. This sequence change replaces glutamine with arginine at codon 1084 of the ATM protein (p.Gln1084Arg). The glutamine residue is moderately conserved and there is a small physicochemical difference between glutamine and arginine. Algorithms developed to predict the effect of missense changes on protein structure and function output the following: SIFT: "Tolerated"; PolyPhen-2: "Benign"; Align-GVGD: "Class C0". The arginine amino acid residue is found in multiple mammalian species, suggesting that this missense change does not adversely affect protein function. These predictions have not been confirmed by published functional studies and their clinical significance is uncertain. In summary, the available evidence is currently insufficient to determine the role of this variant in disease. Therefore, it has been classified as a Variant of Uncertain Significance.